The following is an entry in ClinVar:

NM_001018113.3(FANCB):c.1406A>T (p.Gln469Leu)

Gene: FANCB (FA complementation group B; minus strand). Cytogenetic location: Xp22.2.
Variant type: single nucleotide variant.
Coding change: c.1406A>T on transcript NM_001018113.3 (MANE Select); coding-DNA position 1406, A replaced by T.
Protein change: p.Gln469Leu; replaces glutamine 469 with leucine.
Molecular consequence: missense variant.
Genome position (GRCh38, 1-based): chrX:14,850,595, T>A on the plus strand (A>T on the coding strand, the complement: FANCB is on the minus strand). VCF-style: chrX-14850595-T-A. GRCh37 (hg19) VCF-style: chrX-14868717-T-A.
Other names: c.1406A>T, p.Gln469Leu (NM_152633.4, NM_001324162.2, NM_001410764.1); short protein forms Q469L.
Identifiers: ClinVar variation 2810210 (VCV002810210.3), dbSNP rs746103110, ClinGen allele CA10353050.

ClinVar aggregate classification (germline): Uncertain significance (1 of 4 stars; one submission).

Conditions:
Fanconi anemia (FA). Also called: Fanconi's anemia. Identifiers: Orphanet 84, MedGen C0015625, MeSH D005199, MONDO:0019391.

Allele frequency attached by ClinVar (database versions not stated): ExAC 0.00001; gnomAD exomes 0.00001.
gnomAD v4.1: 5 of 1,193,613 alleles (0.00042%); highest among the groups gnomAD compares: Non-Finnish European, 0.00057%; no homozygotes.

Submission:

Labcorp Genetics (formerly Invitae), Labcorp
Classification: Uncertain significance for Fanconi anemia. Last evaluated: 2024-04-02. Review status: criteria provided, single submitter. Criteria: Invitae Variant Classification Sherloc (09022015). Collection method: clinical testing. Allele origin: germline.
Comment: This sequence change replaces glutamine, which is neutral and polar, with leucine, which is neutral and non-polar, at codon 469 of the FANCB protein (p.Gln469Leu). This variant is present in population databases (rs746103110, gnomAD 0.001%). This variant has not been reported in the literature in individuals affected with FANCB-related conditions. Advanced modeling of protein sequence and biophysical properties (such as structural, functional, and spatial information, amino acid conservation, physicochemical variation, residue mobility, and thermodynamic stability) has been performed at Invitae for this missense variant, however the output from this modeling did not meet the statistical confidence thresholds required to predict the impact of this variant on FANCB protein function. In summary, the available evidence is currently insufficient to determine the role of this variant in disease. Therefore, it has been classified as a Variant of Uncertain Significance.